The following is an entry in ClinVar:

NM_000435.3(NOTCH3):c.1255T>G (p.Cys419Gly)

Gene: NOTCH3 (notch receptor 3; minus strand). Cytogenetic location: 19p13.12.
Variant type: single nucleotide variant.
Coding change: c.1255T>G on transcript NM_000435.3 (MANE Select); coding-DNA position 1255, T replaced by G.
Protein change: p.Cys419Gly; replaces cysteine 419 with glycine.
Molecular consequence: missense variant.
Genome position (GRCh38, 1-based): chr19:15,189,112, A>C on the plus strand (T>G on the coding strand, the complement: NOTCH3 is on the minus strand). VCF-style: chr19-15189112-A-C. GRCh37 (hg19) VCF-style: chr19-15299923-A-C.
Other names: short protein forms C419G.
Identifiers: ClinVar variation 447777 (VCV000447777.3), dbSNP rs1555729070, ClinGen allele CA404528196.

ClinVar aggregate classification (germline): Pathogenic/Likely pathogenic. Review status: criteria provided, multiple submitters, no conflicts (2 of 4 stars). 2 submissions from 2 submitters: Pathogenic (1); Likely pathogenic (1). Last evaluated 2025-10-09.

Conditions:
Cerebral arteriopathy, autosomal dominant, with subcortical infarcts and leukoencephalopathy, type 1 (CADASIL1). Also called: CADASIL 1; CASIL; Cerebral arteriopathy with subcortical infarcts and leukoencephalopathy 1; DEMENTIA, HEREDITARY MULTIINFARCT TYPE. Identifiers: Orphanet 136, MedGen C4551768, MONDO:0000914, OMIM 125310.

Submissions (2):

Athena Diagnostics
Classification: Pathogenic. Last evaluated: 2025-10-09. Review status: criteria provided, single submitter. Criteria: Athena Diagnostics Criteria. Collection method: clinical testing. Allele origin: unknown.
Comment: This variant alters a critical location within the protein, and is expected to severely affect function and cause disease. This variant has not been reported in large, multi-ethnic general populations. This variant has been identified in at least one individual with clinical features associated with this gene. At least one other missense variant at this codon is considered to be pathogenic or likely pathogenic, suggesting this variant may also cause disease. Greater than 90% of NOTCH3 pathogenic variants associated with CADASIL involve the gain or loss of a cysteine residue within the epidermal growth factor (EGF)-like repeat domain (PMID: 32457593, 20301673).

Genomics, Clalit Research Institute, Clalit Health Care
Classification: Likely pathogenic for Cerebral arteriopathy, autosomal dominant, with subcortical infarcts and leukoencephalopathy, type 1. Last evaluated: 2025-08-12. Review status: criteria provided, single submitter. Criteria: ACMG Guidelines, 2015. Collection method: clinical testing. Allele origin: germline. Affected: yes.
Comment: Frequency: The variant is absent from the gnomAD reference population dataset. Variant type: Missense variant in a gene with a low rate of benign missense variation and in which missense variants are a common mechanism of pathogenesis. Variant site: Located in a mutational hot spot and/or critical and well-established functional domain without benign variation. Prediction tools: REVEL predicts a deleterious effect on the gene or gene product (score 0.98). Clinical evidence: This variant has previously been described in ClinVar (VCV000447777.2) with the following classifications: P (1).